The following is an entry in ClinVar:

ClinVar aggregate classification (germline): Uncertain significance (1 of 4 stars; one submission).

Conditions:
Hereditary cancer-predisposing syndrome. Also called: Hereditary Cancer Syndrome; Tumor predisposition; Hereditary neoplastic syndrome; Neoplastic Syndromes, Hereditary. Identifiers: Orphanet 140162, MedGen C0027672, MeSH D009386, MONDO:0015356.

Submission:

Ambry Genetics
Classification: Uncertain significance for Hereditary cancer-predisposing syndrome. Last evaluated: 2024-04-11. Review status: criteria provided, single submitter. Criteria: Ambry Variant Classification Scheme 2023. Collection method: clinical testing. Allele origin: germline.
Comment: The p.E263D variant (also known as c.789A>C), located in coding exon 2 of the BLM gene, results from an A to C substitution at nucleotide position 789. The glutamic acid at codon 263 is replaced by aspartic acid, an amino acid with highly similar properties. This amino acid position is conserved. In addition, this alteration is predicted to be tolerated by in silico analysis. Based on the available evidence, the clinical significance of this variant remains unclear.

NM_000057.4(BLM):c.789A>C (p.Glu263Asp)

Gene: BLM (BLM RecQ like helicase; plus strand). Cytogenetic location: 15q26.1.
Variant type: single nucleotide variant.
Coding change: c.789A>C on transcript NM_000057.4 (MANE Select); coding-DNA position 789, A replaced by C.
Protein change: p.Glu263Asp; replaces glutamic acid 263 with aspartic acid.
Molecular consequence: missense variant. On other transcripts: 5 prime UTR variant (1).
Genome position (GRCh38, 1-based): chr15:90,750,057, A>C. VCF-style: chr15-90750057-A-C. GRCh37 (hg19) VCF-style: chr15-91293287-A-C.
Other names: c.789A>C, p.Glu263Asp (NM_001287246.2, NM_001287247.2); c.-503A>C (NM_001287248.2); short protein forms E263D.
Identifiers: ClinVar variation 3261029 (VCV003261029.1).